The following is an entry in ClinVar:

NM_017654.4(SAMD9):c.956A>G (p.Asp319Gly)

Gene: SAMD9 (sterile alpha motif domain containing 9; minus strand). Cytogenetic location: 7q21.2.
Variant type: single nucleotide variant.
Coding change: c.956A>G on transcript NM_017654.4 (MANE Select); coding-DNA position 956, A replaced by G.
Protein change: p.Asp319Gly; replaces aspartic acid 319 with glycine.
Molecular consequence: missense variant.
Genome position (GRCh38, 1-based): chr7:93,105,142, T>C on the plus strand (A>G on the coding strand, the complement: SAMD9 is on the minus strand). VCF-style: chr7-93105142-T-C. GRCh37 (hg19) VCF-style: chr7-92734455-T-C.
Other names: c.956A>G, p.Asp319Gly (NM_001193307.2); c.956A>G (NM_017654.3); short protein forms D319G.
Identifiers: ClinVar variation 3636751 (VCV003636751.3).
Genomic context (GRCh38, chr7:93,105,142, plus strand): 5'-AATTTTTTACTTTGTTCCCATATTTTGTTGTTGTAATTTTGCATTTTAATCTGGAAATAA[T>C]CATATTGGCATTCAGAGAACTGTGGAATAATGTCCACTTCAATAACAAATCTGTCAGATA-3'
Protein context (NP_060124.2, residues 309-329): IIPQFSECQY[Asp319Gly]YFQIKMQNYN

ClinVar aggregate classification (germline): Uncertain significance. Review status: criteria provided, multiple submitters, no conflicts (2 of 4 stars). 2 submissions from 2 submitters: Uncertain significance (2). Last evaluated 2025-07-17.

Conditions:
Inborn genetic diseases. Identifiers: MedGen C0950123, MeSH D030342.

Submissions (2):

Ambry Genetics
Classification: Uncertain significance for Inborn genetic diseases. Last evaluated: 2025-07-17. Review status: criteria provided, single submitter. Criteria: Ambry Variant Classification Scheme 2023. Collection method: clinical testing. Allele origin: germline.
Comment: The p.D319G variant (also known as c.956A>G), located in coding exon 1 of the SAMD9 gene, results from an A to G substitution at nucleotide position 956. The aspartic acid at codon 319 is replaced by glycine, an amino acid with similar properties. This amino acid position is conserved. In addition, this alteration is predicted to be tolerated by in silico analysis. Based on the available evidence, the clinical significance of this variant remains unclear.

Labcorp Genetics (formerly Invitae), Labcorp
Classification: Uncertain significance. Last evaluated: 2024-07-08. Review status: criteria provided, single submitter. Criteria: Invitae Variant Classification Sherloc (09022015). Collection method: clinical testing. Allele origin: germline.
Comment: This sequence change replaces aspartic acid, which is acidic and polar, with glycine, which is neutral and non-polar, at codon 319 of the SAMD9 protein (p.Asp319Gly). This variant is not present in population databases (gnomAD no frequency). This variant has not been reported in the literature in individuals affected with SAMD9-related conditions. Advanced modeling of protein sequence and biophysical properties (such as structural, functional, and spatial information, amino acid conservation, physicochemical variation, residue mobility, and thermodynamic stability) performed at Invitae indicates that this missense variant is not expected to disrupt SAMD9 protein function with a negative predictive value of 95%. In summary, the available evidence is currently insufficient to determine the role of this variant in disease. Therefore, it has been classified as a Variant of Uncertain Significance.